The following is an entry in ClinVar:

ClinVar aggregate classification (germline): Uncertain significance. Review status: criteria provided, multiple submitters, no conflicts (2 of 4 stars). 2 submissions from 2 submitters: Uncertain significance (2). Last evaluated 2025-02-05.

Conditions:
Hereditary cancer-predisposing syndrome. Also called: Hereditary Cancer Syndrome; Hereditary neoplastic syndrome; Neoplastic Syndromes, Hereditary; Tumor predisposition. Identifiers: Orphanet 140162, MedGen C0027672, MeSH D009386, MONDO:0015356.
Multiple endocrine neoplasia, type 2 (MEN2). Identifiers: Orphanet 653, MedGen C4048306, MONDO:0019003. Disease mechanism: gain of function.

Submissions (2):

Labcorp Genetics (formerly Invitae), Labcorp
Classification: Uncertain significance for Multiple endocrine neoplasia, type 2. Last evaluated: 2025-02-05. Review status: criteria provided, single submitter. Criteria: Invitae Variant Classification Sherloc (09022015). Collection method: clinical testing. Allele origin: germline.
Comment: This sequence change replaces leucine, which is neutral and non-polar, with proline, which is neutral and non-polar, at codon 643 of the RET protein (p.Leu643Pro). This variant is not present in population databases (gnomAD no frequency). This variant has not been reported in the literature in individuals affected with RET-related conditions. ClinVar contains an entry for this variant (Variation ID: 1448097). An algorithm developed to predict the effect of missense changes on protein structure and function (PolyPhen-2) suggests that this variant is likely to be disruptive. In summary, the available evidence is currently insufficient to determine the role of this variant in disease. Therefore, it has been classified as a Variant of Uncertain Significance.

Ambry Genetics
Classification: Uncertain significance for Hereditary cancer-predisposing syndrome. Last evaluated: 2023-09-04. Review status: criteria provided, single submitter. Criteria: Ambry Variant Classification Scheme 2023. Collection method: clinical testing. Allele origin: germline.
Comment: The p.L643P variant (also known as c.1928T>C), located in coding exon 11 of the RET gene, results from a T to C substitution at nucleotide position 1928. The leucine at codon 643 is replaced by proline, an amino acid with similar properties. This amino acid position is conserved. In addition, this alteration is predicted to be deleterious by in silico analysis. Since supporting evidence is limited at this time, the clinical significance of this alteration remains unclear.

NM_020975.6(RET):c.1928T>C (p.Leu643Pro)

Gene: RET (ret proto-oncogene; plus strand). Cytogenetic location: 10q11.21.
Variant type: single nucleotide variant.
Coding change: c.1928T>C on transcript NM_020975.6 (MANE Select); coding-DNA position 1928, T replaced by C.
Protein change: p.Leu643Pro; replaces leucine 643 with proline.
Molecular consequence: missense variant.
Genome position (GRCh38, 1-based): chr10:43,114,528, T>C. VCF-style: chr10-43114528-T-C. GRCh37 (hg19) VCF-style: chr10-43609976-T-C.
Other names: c.1928T>C, p.Leu643Pro (NM_000323.2, NM_001406743.1, NM_001406744.1 and 4 more transcripts); c.1166T>C, p.Leu389Pro (NM_001355216.2); c.1799T>C, p.Leu600Pro (NM_001406761.1, NM_001406762.1, NM_001406764.1); c.1640T>C, p.Leu547Pro (NM_001406766.1, NM_001406767.1, NM_001406770.1); c.1532T>C, p.Leu511Pro (NM_001406769.1, NM_001406772.1); c.1490T>C, p.Leu497Pro (NM_001406771.1, NM_001406773.1); c.1403T>C, p.Leu468Pro (NM_001406774.1); c.1202T>C, p.Leu401Pro (NM_001406775.1, NM_001406776.1, NM_001406777.1 and 1 more transcripts); and 7 more; short protein forms L389P, L643P, L208P, L248P, L301P, L304P, L313P, L468P.
Identifiers: ClinVar variation 1448097 (VCV001448097.8), dbSNP rs2132846207, ClinGen allele CA376552955.
Genomic context (GRCh38, chr10:43,114,528, plus strand): 5'-CCCCACCCACAGATCCACTGTGCGACGAGCTGTGCCGCACGGTGATCGCAGCCGCTGTCC[T>C]CTTCTCCTTCATCGTCTCGGTGCTGCTGTCTGCCTTCTGCATCCACTGCTACCACAAGTT-3'
Protein context (NP_066124.1, residues 633-653): LCRTVIAAAV[Leu643Pro]FSFIVSVLLS